The following is an entry in ClinVar:

NM_002900.3(RBP3):c.2855A>C (p.Tyr952Ser)

Gene: RBP3 (retinol binding protein 3; plus strand). Cytogenetic location: 10q11.22.
Variant type: single nucleotide variant.
Coding change: c.2855A>C on transcript NM_002900.3 (MANE Select); coding-DNA position 2855, A replaced by C.
Protein change: p.Tyr952Ser; replaces tyrosine 952 with serine.
Molecular consequence: missense variant.
Genome position (GRCh38, 1-based): chr10:47,351,339, A>C. VCF-style: chr10-47351339-A-C. GRCh37 (hg19) VCF-style: chr10-48388023-T-G.
Other names: short protein forms Y952S.
Identifiers: ClinVar variation 2127168 (VCV002127168.4), dbSNP rs1565767062, ClinGen allele CA376675331.
Genomic context (GRCh38, chr10:47,351,339, plus strand): 5'-CTCTGCGTGCCAAGGTGCCCACGGTGCTGCAGACGGCCGGGAAGCTGGTGGCTGATAACT[A>C]TGCCTCTGCCGAGCTGGGGGCCAAGATGGCCACCAAACTGAGCGGTCTGCAGAGCCGCTA-3'
Protein context (NP_002891.1, residues 942-962): QTAGKLVADN[Tyr952Ser]ASAELGAKMA

ClinVar aggregate classification (germline): Uncertain significance (1 of 4 stars; one submission).

Submission:

Labcorp Genetics (formerly Invitae), Labcorp
Classification: Uncertain significance. Last evaluated: 2022-04-17. Review status: criteria provided, single submitter. Criteria: Invitae Variant Classification Sherloc (09022015). Collection method: clinical testing. Allele origin: germline.
Comment: Algorithms developed to predict the effect of missense changes on protein structure and function are either unavailable or do not agree on the potential impact of this missense change (SIFT: "Deleterious"; PolyPhen-2: "Benign"; Align-GVGD: "Class C65"). This variant has not been reported in the literature in individuals affected with RBP3-related conditions. This variant is not present in population databases (gnomAD no frequency). This sequence change replaces tyrosine, which is neutral and polar, with serine, which is neutral and polar, at codon 952 of the RBP3 protein (p.Tyr952Ser). In summary, the available evidence is currently insufficient to determine the role of this variant in disease. Therefore, it has been classified as a Variant of Uncertain Significance.